The following is an entry in ClinVar:

ClinVar aggregate classification (germline): Pathogenic. Review status: criteria provided, single submitter (1 of 4 stars). 2 submissions from 2 submitters: Pathogenic (1). 1 of the submissions does not count toward it. Last evaluated 2024-05-06.

Conditions:
Neurofibromatosis, type 1 (NF1). Also called: Neurofibromatosis, type I; NEUROFIBROMATOSIS, TYPE I, SOMATIC; Peripheral type neurofibromatosis; VON RECKLINGHAUSEN DISEASE. Identifiers: Orphanet 636, MedGen C0027831, MONDO:0018975, OMIM 162200. Disease mechanism: loss of function.

Submissions (2):

Labcorp Genetics (formerly Invitae), Labcorp
Classification: Pathogenic for Neurofibromatosis, type 1. Last evaluated: 2024-05-06. Review status: criteria provided, single submitter. Criteria: Invitae Variant Classification Sherloc (09022015). Collection method: clinical testing. Allele origin: germline.
Comment: This sequence change creates a premature translational stop signal (p.Leu2441Phefs*27) in the NF1 gene. It is expected to result in an absent or disrupted protein product. Loss-of-function variants in NF1 are known to be pathogenic (PMID: 10712197, 23913538). This variant is not present in population databases (gnomAD no frequency). This premature translational stop signal has been observed in individual(s) with neurofibromatosis type I (PMID: 28961165). ClinVar contains an entry for this variant (Variation ID: 431691). For these reasons, this variant has been classified as Pathogenic.

Medical Genetics, University of Parma
Classification: Pathogenic for Neurofibromatosis type 1. Last evaluated: 2017-02-02. Review status: no assertion criteria provided. Collection method: clinical testing. Allele origin: germline. Affected: yes. Not counted in ClinVar's aggregate classification.

Literature cited by the submitters: PubMed 10712197 (cited by Labcorp Genetics (formerly Invitae), Labcorp); PubMed 23913538 (cited by Labcorp Genetics (formerly Invitae), Labcorp); PubMed 28961165 (cited by Labcorp Genetics (formerly Invitae), Labcorp).

NM_001042492.3(NF1):c.7383del (p.Leu2462fs)

Gene: NF1 (neurofibromin 1; plus strand). Cytogenetic location: 17q11.2.
Variant type: Deletion.
Coding change: c.7383del on transcript NM_001042492.3 (MANE Select); coding-DNA position 7383, one base deleted (T; older notation c.7383delT).
Protein change: p.Leu2462fs; shifts the reading frame from leucine 2462.
Molecular consequence: frameshift variant.
Genome position (GRCh38, 1-based): chr17:31,350,244, T deleted; the last of 2 consecutive T bases (chr17:31,350,243-31,350,244); deleting either gives the same sequence. VCF-style (leftmost placement, unchanged base first): chr17-31350242-CT-C. GRCh37 (hg19) VCF-style: chr17-29677260-CT-C.
Other names: c.7320delT, p.Leu2441Phefs (NM_000267.4); c.7383delT, p.Leu2462Phefs (NM_001042492.2); short protein forms L2441fs, L2462fs.
Identifiers: ClinVar variation 431691 (VCV000431691.3), dbSNP rs1135402905, ClinGen allele CA645373113.